The following is an entry in ClinVar:

NM_022489.4(INF2):c.508-13G>A

Gene: INF2 (inverted formin 2; plus strand). Cytogenetic location: 14q32.33.
Variant type: single nucleotide variant.
Coding change: c.508-13G>A on transcript NM_022489.4 (MANE Select); 13 bases into the intron before coding-DNA position 508, G replaced by A.
Molecular consequence: intron variant.
Genome position (GRCh38, 1-based): chr14:104,703,282, G>A. VCF-style: chr14-104703282-G-A. GRCh37 (hg19) VCF-style: chr14-105169619-G-A.
Other names: c.508-13G>A (NM_001031714.4, NM_032714.3).
Identifiers: ClinVar variation 384072 (VCV000384072.1), dbSNP rs764942605, ClinGen allele CA7372319.

ClinVar aggregate classification (germline): Likely benign (1 of 4 stars; one submission).

Allele frequency attached by ClinVar (database versions not stated): ExAC 0.00001; gnomAD exomes 0.00001; TOPMed 0.00001.

Submission:

GeneDx
Classification: Likely benign. Last evaluated: 2016-03-01. Review status: criteria provided, single submitter. Criteria: GeneDx Variant Classification (06012015). Collection method: clinical testing. Allele origin: germline. Affected: yes.
Comment: This variant is considered likely benign or benign based on one or more of the following criteria: it is a conservative change, it occurs at a poorly conserved position in the protein, it is predicted to be benign by multiple in silico algorithms, and/or has population frequency not consistent with disease.